The following is an entry in ClinVar:

NM_001999.4(FBN2):c.7440C>A (p.Tyr2480Ter)

Gene: FBN2 (fibrillin 2; minus strand). Cytogenetic location: 5q23.3.
Variant type: single nucleotide variant.
Coding change: c.7440C>A on transcript NM_001999.4 (MANE Select); coding-DNA position 7440, C replaced by A.
Protein change: p.Tyr2480Ter; replaces tyrosine 2480 with a stop codon.
Molecular consequence: nonsense.
Genome position (GRCh38, 1-based): chr5:128,277,911, G>T on the plus strand (C>A on the coding strand, the complement: FBN2 is on the minus strand). VCF-style: chr5-128277911-G-T. GRCh37 (hg19) VCF-style: chr5-127613603-G-T.
Other names: short protein forms Y2480*.
Identifiers: ClinVar variation 3346394 (VCV003346394.1).

ClinVar aggregate classification (germline): Uncertain significance (0 of 4 stars; one submission).

Conditions:
FBN2-related disorder. Also called: FBN2-related condition.

Submission:

PreventionGenetics, part of Exact Sciences
Classification: Uncertain significance for FBN2-related condition. Last evaluated: 2024-05-28. Review status: no assertion criteria provided. Collection method: clinical testing. Allele origin: germline.
Comment: The FBN2 c.7440C>A variant is predicted to result in premature protein termination (p.Tyr2480*). To our knowledge, this variant has not been reported in the literature or in a large population database, indicating this variant is rare. Of note, while other loss of function variants have been reported in the literature, to our knowledge, none have been reported downstream of the c.7440C>A (p.Tyr2480*) variant. Although we suspect that this variant may be pathogenic, at this time, the clinical significance of this variant is uncertain due to the absence of conclusive functional and genetic evidence.